The following is an entry in ClinVar:

NM_004387.4(NKX2-5):c.63delinsGCAG (p.Gln24_Arg25insGln)

Gene: NKX2-5 (NK2 homeobox 5; minus strand). Cytogenetic location: 5q35.1.
Variant type: Indel.
Coding change: c.63delinsGCAG on transcript NM_004387.4 (MANE Select); coding-DNA position 63, A replaced by GCAG.
Protein change: p.Gln24_Arg25insGln.
Genome position (GRCh38, 1-based): chr5:173,235,021, T replaced by CTGC on the plus strand (A replaced by GCAG on the coding strand, the reverse complement: NKX2-5 is on the minus strand). VCF-style: chr5-173235021-T-CTGC. GRCh37 (hg19) VCF-style: chr5-172662024-T-CTGC.
Other names: c.63delinsGCAG, p.Gln24_Arg25insGln (NM_001166175.2, NM_001166176.2).
Identifiers: ClinVar variation 3766506 (VCV003766506.1).

ClinVar aggregate classification (germline): Uncertain significance (1 of 4 stars; one submission).

Submission:

ARUP Laboratories, Molecular Genetics and Genomics, ARUP Laboratories
Classification: Uncertain significance. Last evaluated: 2024-03-11. Review status: criteria provided, single submitter. Criteria: ARUP Molecular Germline Variant Investigation Process 2024. Collection method: clinical testing. Allele origin: germline.
Comment: The NKX2-5 c.63delinsGCAG; p.Gln24dup variant, to our knowledge, is not reported in the medical literature or gene specific databases. This variant is also absent from the Genome Aggregation Database (v2.1.1), indicating it is not a common polymorphism. This variant duplicates a single glutamine residue leaving the rest of the protein in-frame. Due to limited information, the clinical significance of this variant is uncertain at this time.